The following is an entry in ClinVar:

ClinVar aggregate classification (germline): Pathogenic/Likely pathogenic. Review status: criteria provided, multiple submitters, no conflicts (2 of 4 stars). 9 submissions from 9 submitters: Pathogenic (6); Likely pathogenic (3). Last evaluated 2024-12-11.

Conditions:
Wilson disease (WND). Also called: Wilson's disease. Identifiers: Orphanet 905, MedGen C0019202, MONDO:0010200, OMIM 277900. Disease mechanism: loss of function.

Allele frequency attached by ClinVar (database versions not stated): gnomAD exomes below 0.00001; TOPMed below 0.00001; gnomAD 0.00001.

Submissions (9):

Natera, Inc.
Classification: Likely pathogenic for Wilson disease. Last evaluated: 2024-12-11. Review status: criteria provided, single submitter. Criteria: Natera Variant Classification Schema (03/2026). Collection method: clinical testing. Allele origin: germline.
Comment: The c.3107dupT variant in ATP7B is a frameshift variant predicted to shift the reading frame beginning at codon 1038 and leads to a stop codon 31 codons downstream. This variant is expected to result in nonsense mediated decay, truncation, or a dysfunctional protein product. This variant is rare in the general population with a frequency below the threshold expected for the associated phenotype(s). Given the available evidence, this variant is classified as Likely Pathogenic.

Labcorp Genetics (formerly Invitae), Labcorp
Classification: Pathogenic for Wilson disease. Last evaluated: 2024-11-13. Review status: criteria provided, single submitter. Criteria: Invitae Variant Classification Sherloc (09022015). Collection method: clinical testing. Allele origin: germline.
Comment: This sequence change creates a premature translational stop signal (p.Arg1038Glnfs*31) in the ATP7B gene. It is expected to result in an absent or disrupted protein product. Loss-of-function variants in ATP7B are known to be pathogenic (PMID: 10441329, 16283883). This variant is present in population databases (no rsID available, gnomAD 0.0009%). This variant has not been reported in the literature in individuals affected with ATP7B-related conditions. ClinVar contains an entry for this variant (Variation ID: 286564). For these reasons, this variant has been classified as Pathogenic.

GeneDx
Classification: Pathogenic. Last evaluated: 2024-09-13. Review status: criteria provided, single submitter. Criteria: GeneDx Variant Classification Process June 2021. Collection method: clinical testing. Allele origin: germline. Affected: yes.
Comment: Frameshift variant predicted to result in protein truncation or nonsense mediated decay in a gene for which loss-of-function is a known mechanism of disease; Not observed at significant frequency in large population cohorts (gnomAD); Has not been previously published as pathogenic or benign to our knowledge

All of Us Research Program, National Institutes of Health
Classification: Pathogenic for Wilson disease. Last evaluated: 2024-08-06. Review status: criteria provided, single submitter. Criteria: ACMG Guidelines, 2015. Collection method: clinical testing. Allele origin: germline. Inheritance: Autosomal recessive inheritance. Observed: 2 variant alleles, 2 heterozygotes.
Comment: This study involves interpretation of variants in research participants for the purpose of population health screening. Participant phenotype was not available at the time of variant classification. Additional details can be found in publication PMID: 35346344, PMCID: PMC8962531

Baylor Genetics
Classification: Pathogenic for Wilson disease. Last evaluated: 2024-02-10. Review status: criteria provided, single submitter. Criteria: ACMG Guidelines, 2015. Collection method: clinical testing. Allele origin: unknown.

Fulgent Genetics
Classification: Likely pathogenic for Wilson disease. Last evaluated: 2024-02-05. Review status: criteria provided, single submitter. Criteria: ACMG Guidelines, 2015. Collection method: clinical testing. Allele origin: germline.

Mayo Clinic Laboratories, Mayo Clinic
Classification: Likely pathogenic. Last evaluated: 2023-02-09. Review status: criteria provided, single submitter. Criteria: ACMG Guidelines, 2015. Collection method: clinical testing. Allele origin: germline. Observed: 1 variant allele.
Comment: PM2, PVS1

Genome-Nilou Lab
Classification: Pathogenic for Wilson disease. Last evaluated: 2021-08-10. Review status: criteria provided, single submitter. Criteria: ACMG Guidelines, 2015. Collection method: clinical testing. Allele origin: germline. Affected: no.

Eurofins Ntd Llc (ga)
Classification: Pathogenic. Last evaluated: 2016-03-01. Review status: criteria provided, single submitter. Criteria: EGL Classification Definitions. Collection method: clinical testing. Allele origin: germline. Observed: 2 variant alleles, 2 heterozygotes.

Literature cited by the submitters: PubMed 10441329 (cited by Labcorp Genetics (formerly Invitae), Labcorp); PubMed 16283883 (cited by Labcorp Genetics (formerly Invitae), Labcorp); PubMed 32248359 (cited by Mayo Clinic Laboratories, Mayo Clinic).

NM_000053.4(ATP7B):c.3107dup (p.Arg1038fs)

Gene: ATP7B (ATPase copper transporting beta; minus strand). Cytogenetic location: 13q14.3.
Variant type: Duplication.
Coding change: c.3107dup on transcript NM_000053.4 (MANE Select); coding-DNA position 3107, one base duplicated (T; older notation c.3107dupT).
Protein change: p.Arg1038fs; shifts the reading frame from arginine 1038.
Molecular consequence: frameshift variant.
Genome position (GRCh38, 1-based): chr13:51,944,245, A duplicated on the plus strand (T on the coding strand, the reverse complement: ATP7B is on the minus strand). VCF-style (leftmost placement, unchanged base first): chr13-51944244-G-GA. GRCh37 (hg19) VCF-style: chr13-52518380-G-GA.
Other names: p.Arg1038Glnfs*31; c.2486dup, p.Arg831fs (NM_001005918.3); c.2774dup, p.Arg927fs (NM_001243182.2); c.2873dup, p.Arg960fs (NM_001330578.2); c.2855dup, p.Arg954fs (NM_001330579.2); c.3107dupT (NM_000053.3); c.3107dup (NM_000053.3); short protein forms R1038fs, R960fs, R831fs, R954fs, R927fs.
Identifiers: ClinVar variation 286564 (VCV000286564.20), dbSNP rs886043423, ClinGen allele CA10605504.